The following is an entry in ClinVar:

ClinVar aggregate classification (germline): Uncertain significance (1 of 4 stars; one submission).

Conditions:
Immunodeficiency 14 (IMD14A). Also called: Activated PI3K Delta Syndrome Type 1 (APDS1); p110-DELTA-ACTIVATING MUTATION CAUSING SENESCENT T CELLS, LYMPHADENOPATHY, AND IMMUNODEFICIENCY; IMMUNODEFICIENCY 14A WITH LYMPHOPROLIFERATION, AUTOSOMAL DOMINANT; ACTIVATED PI3K-DELTA SYNDROME 1. Identifiers: Orphanet 397596, Orphanet 693661, MedGen C5907821, MONDO:0014222, OMIM 615513.

Allele frequency attached by ClinVar (database versions not stated): TOPMed below 0.00001; ExAC 0.00002.

Submission:

Labcorp Genetics (formerly Invitae), Labcorp
Classification: Uncertain significance for Activated PI3K-delta syndrome. Last evaluated: 2022-06-26. Review status: criteria provided, single submitter. Criteria: Invitae Variant Classification Sherloc (09022015). Collection method: clinical testing. Allele origin: germline.
Comment: This variant is present in population databases (rs752969281, gnomAD 0.009%). This sequence change falls in intron 22 of the PIK3CD gene. It does not directly change the encoded amino acid sequence of the PIK3CD protein. It affects a nucleotide within the consensus splice site. This variant has not been reported in the literature in individuals affected with PIK3CD-related conditions. In summary, the available evidence is currently insufficient to determine the role of this variant in disease. Therefore, it has been classified as a Variant of Uncertain Significance. Variants that disrupt the consensus splice site are a relatively common cause of aberrant splicing (PMID: 17576681, 9536098). Algorithms developed to predict the effect of sequence changes on RNA splicing suggest that this variant is not likely to affect RNA splicing.

Literature cited by the submitters: PubMed 17576681; PubMed 9536098.

NM_005026.5(PIK3CD):c.2865-3C>T

Gene: PIK3CD (phosphatidylinositol-4,5-bisphosphate 3-kinase catalytic subunit delta; plus strand). Cytogenetic location: 1p36.22.
Variant type: single nucleotide variant.
Coding change: c.2865-3C>T on transcript NM_005026.5 (MANE Select); 3 bases into the intron before coding-DNA position 2865, C replaced by T.
Molecular consequence: intron variant.
Genome position (GRCh38, 1-based): chr1:9,724,801, C>T. VCF-style: chr1-9724801-C-T. GRCh37 (hg19) VCF-style: chr1-9784859-C-T.
Other names: c.2862-3C>T (NM_001350234.2); c.2778-3C>T (NM_001350235.1).
Identifiers: ClinVar variation 1925184 (VCV001925184.5), dbSNP rs752969281, ClinGen allele CA577666.